The following is an entry in ClinVar:

ClinVar aggregate classification (germline): Likely benign (1 of 4 stars; one submission).

Conditions:
TUBA4A-related disorder. Also called: TUBA4A-related condition.

Submission:

PreventionGenetics, part of Exact Sciences
Classification: Likely benign for TUBA4A-related condition. Last evaluated: 2025-02-13. Review status: criteria provided, single submitter. Criteria: ACMG Guidelines, 2015. Collection method: clinical testing. Allele origin: germline.
Comment: This variant is classified as likely benign based on ACMG/AMP sequence variant interpretation guidelines (Richards et al. 2015 PMID: 25741868, with internal and published modifications).

NM_006000.3(TUBA4A):c.474T>G (p.Ser158=)

Gene: TUBA4A (tubulin alpha 4a; minus strand). Cytogenetic location: 2q35.
Variant type: single nucleotide variant.
Coding change: c.474T>G on transcript NM_006000.3 (MANE Select); coding-DNA position 474, T replaced by G.
Protein change: p.Ser158=; no amino-acid change (serine 158 retained).
Molecular consequence: synonymous variant.
Genome position (GRCh38, 1-based): chr2:219,251,225, A>C on the plus strand (T>G on the coding strand, the complement: TUBA4A is on the minus strand). VCF-style: chr2-219251225-A-C. GRCh37 (hg19) VCF-style: chr2-220115947-A-C.
Other names: c.429T>G, p.Ser143= (NM_001278552.2).
Identifiers: ClinVar variation 4990639 (VCV004990639.1).